The following is an entry in ClinVar:

NM_032776.3(JMJD1C):c.1591C>T (p.Leu531Phe)

Gene: JMJD1C (jumonji domain containing 1C; minus strand). Cytogenetic location: 10q21.3.
Variant type: single nucleotide variant.
Coding change: c.1591C>T on transcript NM_032776.3 (MANE Select); coding-DNA position 1591, C replaced by T.
Protein change: p.Leu531Phe; replaces leucine 531 with phenylalanine.
Molecular consequence: missense variant. On other transcripts: non-coding transcript variant (1).
Genome position (GRCh38, 1-based): chr10:63,214,576, G>A on the plus strand (C>T on the coding strand, the complement: JMJD1C is on the minus strand). VCF-style: chr10-63214576-G-A. GRCh37 (hg19) VCF-style: chr10-64974336-G-A.
Other names: c.1045C>T, p.Leu349Phe (NM_001282948.2, NM_001318154.2); c.727C>T, p.Leu243Phe (NM_001318153.2); c.1477C>T, p.Leu493Phe (NM_001322252.2); c.934C>T, p.Leu312Phe (NM_001322254.2, NM_001322258.2); short protein forms L349F, L493F, L531F, L312F, L243F.
Identifiers: ClinVar variation 2879593 (VCV002879593.3), dbSNP rs2492782426, ClinGen allele CA377048538.

ClinVar aggregate classification (germline): Uncertain significance (1 of 4 stars; one submission).

Conditions:
Early Myoclonic Encephalopathy. Identifiers: MedGen C0270855.

Submission:

Labcorp Genetics (formerly Invitae), Labcorp
Classification: Uncertain significance for Early Myoclonic Encephalopathy. Last evaluated: 2024-01-02. Review status: criteria provided, single submitter. Criteria: Invitae Variant Classification Sherloc (09022015). Collection method: clinical testing. Allele origin: germline.
Comment: This sequence change replaces leucine, which is neutral and non-polar, with phenylalanine, which is neutral and non-polar, at codon 531 of the JMJD1C protein (p.Leu531Phe). This variant is not present in population databases (gnomAD no frequency). This variant has not been reported in the literature in individuals affected with JMJD1C-related conditions. Advanced modeling of protein sequence and biophysical properties (such as structural, functional, and spatial information, amino acid conservation, physicochemical variation, residue mobility, and thermodynamic stability) performed at Invitae indicates that this missense variant is not expected to disrupt JMJD1C protein function with a negative predictive value of 80%. In summary, the available evidence is currently insufficient to determine the role of this variant in disease. Therefore, it has been classified as a Variant of Uncertain Significance.